The following is an entry in ClinVar:

ClinVar aggregate classification (germline): Uncertain significance (1 of 4 stars; one submission).

gnomAD v4.1: 7 of 1,605,280 alleles (0.00044%); highest among the groups gnomAD compares: Non-Finnish European, 0.00051%; no homozygotes.

Submission:

Labcorp Genetics (formerly Invitae), Labcorp
Classification: Uncertain significance. Last evaluated: 2025-06-10. Review status: criteria provided, single submitter. Criteria: Invitae Variant Classification Sherloc (09022015). Collection method: clinical testing. Allele origin: germline.
Comment: This sequence change replaces arginine, which is basic and polar, with glutamine, which is neutral and polar, at codon 16 of the ATP5A1 protein (p.Arg16Gln). The frequency data for this variant in the population databases is considered unreliable, as metrics indicate poor data quality at this position in the gnomAD database. This variant has not been reported in the literature in individuals affected with ATP5A1-related conditions. Experimental studies and prediction algorithms are not available or were not evaluated, and the functional significance of this variant is currently unknown. In summary, the available evidence is currently insufficient to determine the role of this variant in disease. Therefore, it has been classified as a Variant of Uncertain Significance.

NM_004046.6(ATP5F1A):c.47G>A (p.Arg16Gln)

Genes: ATP5F1A (ATP synthase F1 subunit alpha; minus strand), LOC126862738 (BRD4-independent group 4 enhancer GRCh37_chr18:43677662-43678861; plus strand). Cytogenetic location: 18q21.1.
Variant type: single nucleotide variant.
Coding change: c.47G>A on transcript NM_004046.6 (MANE Select); coding-DNA position 47, G replaced by A.
Protein change: p.Arg16Gln; replaces arginine 16 with glutamine.
Molecular consequence: missense variant. On other transcripts: 5 prime UTR variant (2).
Genome position (GRCh38, 1-based): chr18:46,098,185, C>T on the plus strand (G>A on the coding strand, the complement: ATP5F1A is on the minus strand). VCF-style: chr18-46098185-C-T. GRCh37 (hg19) VCF-style: chr18-43678151-C-T.
Other names: c.-177G>A (NM_001001935.3); c.47G>A, p.Arg16Gln (NM_001001937.2, NM_001257334.2); c.-440G>A (NM_001257335.2); short protein forms R16Q.
Identifiers: ClinVar variation 4699035 (VCV004699035.1).
Genomic context (GRCh38, chr18:46,098,185, plus strand): 5'-TGCAGCCCCACCCGGCCGCCTGCATCATGCCGGCCTTCGGTGCTCACCAGTCCGGCCCGC[C>T]GAGGAAGGGCGCGGACCACGGCCGCAGCAACGCGCACGGACAGCATCTTTGCAGTTACTC-3'
Protein context (NP_004037.1, residues 6-26): VAAAVVRALP[Arg16Gln]RAGLVSRNAL